The following is an entry in ClinVar:

NM_004004.6(GJB2):c.379C>G (p.Arg127Gly)

Gene: GJB2 (gap junction protein beta 2; minus strand). Cytogenetic location: 13q12.11.
Variant type: single nucleotide variant.
Coding change: c.379C>G on transcript NM_004004.6 (MANE Select); coding-DNA position 379, C replaced by G.
Protein change: p.Arg127Gly; replaces arginine 127 with glycine.
Molecular consequence: missense variant.
Genome position (GRCh38, 1-based): chr13:20,189,203, G>C on the plus strand (C>G on the coding strand, the complement: GJB2 is on the minus strand). VCF-style: chr13-20189203-G-C. GRCh37 (hg19) VCF-style: chr13-20763342-G-C.
Other names: short protein forms R127G.
Identifiers: ClinVar variation 1394382 (VCV001394382.8), dbSNP rs727503066, ClinGen allele CA246460225.

ClinVar aggregate classification (germline): Uncertain significance (1 of 4 stars; one submission).

Submission:

Labcorp Genetics (formerly Invitae), Labcorp
Classification: Uncertain significance. Last evaluated: 2021-05-10. Review status: criteria provided, single submitter. Criteria: Invitae Variant Classification Sherloc (09022015). Collection method: clinical testing. Allele origin: germline.
Comment: In summary, the available evidence is currently insufficient to determine the role of this variant in disease. Therefore, it has been classified as a Variant of Uncertain Significance. Advanced modeling of protein sequence and biophysical properties (such as structural, functional, and spatial information, amino acid conservation, physicochemical variation, residue mobility, and thermodynamic stability) performed at Invitae indicates that this missense variant is expected to disrupt GJB2 protein function. This variant has not been reported in the literature in individuals with GJB2-related conditions. This variant is not present in population databases (ExAC no frequency). This sequence change replaces arginine with glycine at codon 127 of the GJB2 protein (p.Arg127Gly). The arginine residue is highly conserved and there is a moderate physicochemical difference between arginine and glycine.